The following is an entry in ClinVar:

NM_206933.4(USH2A):c.6806-4524A>T

Gene: USH2A (usherin; minus strand). Cytogenetic location: 1q41.
Variant type: single nucleotide variant.
Coding change: c.6806-4524A>T on transcript NM_206933.4 (MANE Select); 4524 bases into the intron before coding-DNA position 6806, A replaced by T.
Molecular consequence: intron variant.
Genome position (GRCh38, 1-based): chr1:215,975,300, T>A on the plus strand (A>T on the coding strand, the complement: USH2A is on the minus strand). VCF-style: chr1-215975300-T-A. GRCh37 (hg19) VCF-style: chr1-216148642-T-A.
Identifiers: ClinVar variation 3338148 (VCV003338148.1).
Genomic context (GRCh38, chr1:215,975,300, plus strand): 5'-GGATGGTTTGTGAATATTTTCTCCCACTCTGTAATTTGTCTGTTTACTCTGTTGATAGTT[T>A]ATTTTGCTGTGCTGAAGCTCTTTAGTTTAATTAGGTTTATCTTGTCAATTTTTGTTGCAA-3'

ClinVar aggregate classification (germline): Uncertain significance (0 of 4 stars; one submission).

Conditions:
Visual impairment. Also called: Impaired vision; vision problems. Identifiers: MedGen C3665347, HP:0000505.

Submission:

Joint Genome Diagnostic Labs from Nijmegen and Maastricht, Radboudumc and MUMC+
Classification: Uncertain significance for visual impairment. Review status: no assertion criteria provided. Collection method: clinical testing. Allele origin: germline. Affected: yes.